The following is an entry in ClinVar:

NM_002693.3(POLG):c.2427-12C>G

Gene: POLG (DNA polymerase gamma, catalytic subunit; minus strand). Cytogenetic location: 15q26.1.
Variant type: single nucleotide variant.
Coding change: c.2427-12C>G on transcript NM_002693.3 (MANE Select); 12 bases into the intron before coding-DNA position 2427, C replaced by G.
Molecular consequence: intron variant.
Genome position (GRCh38, 1-based): chr15:89,322,027, G>C on the plus strand (C>G on the coding strand, the complement: POLG is on the minus strand). VCF-style: chr15-89322027-G-C. GRCh37 (hg19) VCF-style: chr15-89865258-G-C.
Other names: c.2427-12C>G (NM_001126131.2).
Identifiers: ClinVar variation 206465 (VCV000206465.10), dbSNP rs199815957, ClinGen allele CA316590.

ClinVar aggregate classification (germline): Benign/Likely benign. Review status: criteria provided, multiple submitters, no conflicts (2 of 4 stars). 3 submissions from 3 submitters: Benign (2); Likely benign (1). Last evaluated 2026-01-12.

Conditions:
Progressive sclerosing poliodystrophy (MTDPS4A). Also called: Alpers-Huttenlocher Syndrome; Mitochondrial DNA Depletion Syndrome 4A; ALPERS PROGRESSIVE INFANTILE POLIODYSTROPHY; ALPERS DIFFUSE DEGENERATION OF CEREBRAL GRAY MATTER WITH HEPATIC CIRRHOSIS; Alpers Syndrome; Alpers-Huttenlocher Syndrome (AHS). Identifiers: Orphanet 726, MedGen C0205710, MONDO:0008758, OMIM 203700.

Allele frequency attached by ClinVar (database versions not stated): TOPMed 0.00003; ESP Exome Variant Server 0.00008; 1000 Genomes Project 30x 0.00016; 1000 Genomes Project 0.00020; gnomAD exomes 0.00023 and 0.00037; ExAC 0.00029; gnomAD 0.00032 and 0.00035.

Submissions (3):

Labcorp Genetics (formerly Invitae), Labcorp
Classification: Benign for Progressive sclerosing poliodystrophy. Last evaluated: 2026-01-12. Review status: criteria provided, single submitter. Criteria: Invitae Variant Classification Sherloc (09022015). Collection method: clinical testing. Allele origin: germline.

Blueprint Genetics
Classification: Likely benign. Last evaluated: 2024-11-19. Review status: criteria provided, single submitter. Criteria: ACMG Guidelines, 2015. Collection method: clinical testing. Allele origin: germline.

GeneDx
Classification: Benign. Last evaluated: 2014-07-16. Review status: criteria provided, single submitter. Criteria: GeneDx Variant Classification (06012015). Collection method: clinical testing. Allele origin: germline. Affected: yes.
Comment: This variant is considered likely benign or benign based on one or more of the following criteria: it is a conservative change, it occurs at a poorly conserved position in the protein, it is predicted to be benign by multiple in silico algorithms, and/or has population frequency not consistent with disease.